The following is an entry in ClinVar:

ClinVar aggregate classification (germline): Benign/Likely benign. Review status: criteria provided, multiple submitters, no conflicts (2 of 4 stars). 3 submissions from 3 submitters: Benign (1); Likely benign (2). Last evaluated 2026-07-01.

Allele frequency attached by ClinVar (database versions not stated): gnomAD exomes 0.00039; TOPMed 0.00058; ExAC 0.00084; 1000 Genomes Project 30x 0.00125; 1000 Genomes Project 0.00140.
gnomAD v4.1: 631 of 1,614,042 alleles (0.039%); highest among the groups gnomAD compares: East Asian, 1.3%; 3 homozygotes.

Submissions (3):

CeGaT Center for Human Genetics Tuebingen
Classification: Likely benign. Last evaluated: 2026-07-01. Review status: criteria provided, single submitter. Criteria: CeGaT Center For Human Genetics Tuebingen Variant Classification Criteria Version 2. Collection method: clinical testing. Allele origin: germline. Affected: yes. Observed: 2 variant alleles.
Comment: MAPKBP1: BP4, BS1

Labcorp Genetics (formerly Invitae), Labcorp
Classification: Benign. Last evaluated: 2025-12-31. Review status: criteria provided, single submitter. Criteria: Invitae Variant Classification Sherloc (09022015). Collection method: clinical testing. Allele origin: germline.

Blueprint Genetics
Classification: Likely benign. Last evaluated: 2024-07-26. Review status: criteria provided, single submitter. Criteria: ACMG Guidelines, 2015. Collection method: clinical testing. Allele origin: germline.

NM_014994.3(MAPKBP1):c.2759C>G (p.Ser920Cys)

Gene: MAPKBP1 (mitogen-activated protein kinase binding protein 1; plus strand). Cytogenetic location: 15q15.1.
Variant type: single nucleotide variant.
Coding change: c.2759C>G on transcript NM_014994.3 (MANE Select); coding-DNA position 2759, C replaced by G.
Protein change: p.Ser920Cys; replaces serine 920 with cysteine.
Molecular consequence: missense variant. On other transcripts: non-coding transcript variant (2).
Genome position (GRCh38, 1-based): chr15:41,821,624, C>G. VCF-style: chr15-41821624-C-G. GRCh37 (hg19) VCF-style: chr15-42113822-C-G.
Other names: c.2777C>G, p.Ser926Cys (NM_001128608.2); c.2759C>G, p.Ser920Cys (NM_001265611.2); short protein forms S920C, S926C.
Identifiers: ClinVar variation 2060101 (VCV002060101.30), dbSNP rs199864678, ClinGen allele CA7498372.